The following is an entry in ClinVar:

ClinVar aggregate classification (germline): Uncertain significance (1 of 4 stars; one submission).

Conditions:
Cardiovascular phenotype. Identifiers: MedGen CN230736.

Allele frequency attached by ClinVar (database versions not stated): TOPMed below 0.00001; ExAC 0.00001; gnomAD 0.00001.
gnomAD v4.1: 2 of 1,609,650 alleles (0.00012%); highest among the groups gnomAD compares: Non-Finnish European, 0.00017%; no homozygotes.

Submission:

Ambry Genetics
Classification: Uncertain significance for Cardiovascular phenotype. Last evaluated: 2021-09-16. Review status: criteria provided, single submitter. Criteria: Ambry Variant Classification Scheme 2023. Collection method: clinical testing. Allele origin: germline.
Comment: The p.K231E variant (also known as c.691A>G), located in coding exon 8 of the TRDN gene, results from an A to G substitution at nucleotide position 691. The lysine at codon 231 is replaced by glutamic acid, an amino acid with similar properties. This amino acid position is conserved. In addition, the in silico prediction for this alteration is inconclusive. Since supporting evidence is limited at this time, the clinical significance of this alteration remains unclear.

NM_006073.4(TRDN):c.691A>G (p.Lys231Glu)

Gene: TRDN (triadin; minus strand). Cytogenetic location: 6q22.31.
Variant type: single nucleotide variant.
Coding change: c.691A>G on transcript NM_006073.4 (MANE Select); coding-DNA position 691, A replaced by G.
Protein change: p.Lys231Glu; replaces lysine 231 with glutamic acid.
Molecular consequence: missense variant.
Genome position (GRCh38, 1-based): chr6:123,503,821, T>C on the plus strand (A>G on the coding strand, the complement: TRDN is on the minus strand). VCF-style: chr6-123503821-T-C. GRCh37 (hg19) VCF-style: chr6-123824966-T-C.
Other names: c.691A>G, p.Lys231Glu (NM_001251987.2, NM_001256020.2, NM_001256021.2 and 1 more transcripts); short protein forms K231E.
Identifiers: ClinVar variation 1756148 (VCV001756148.2), dbSNP rs757679635, ClinGen allele CA3984310.